The following is an entry in ClinVar:

ClinVar aggregate classification (germline): Uncertain significance (1 of 4 stars; one submission).

Allele frequency attached by ClinVar (database versions not stated): gnomAD exomes 0.00001 and 0.00004; TOPMed 0.00002; gnomAD 0.00004; ExAC 0.00005.
gnomAD v4.1: 22 of 1,504,470 alleles (0.0015%); highest among the groups gnomAD compares: East Asian, 0.016%; no homozygotes.

Submission:

Labcorp Genetics (formerly Invitae), Labcorp
Classification: Uncertain significance. Last evaluated: 2024-09-16. Review status: criteria provided, single submitter. Criteria: Invitae Variant Classification Sherloc (09022015). Collection method: clinical testing. Allele origin: germline.
Comment: This sequence change replaces alanine, which is neutral and non-polar, with threonine, which is neutral and polar, at codon 359 of the SCP2 protein (p.Ala359Thr). This variant is present in population databases (rs777327087, gnomAD 0.06%). This variant has not been reported in the literature in individuals affected with SCP2-related conditions. ClinVar contains an entry for this variant (Variation ID: 1347438). An algorithm developed to predict the effect of missense changes on protein structure and function (PolyPhen-2) suggests that this variant is likely to be disruptive. In summary, the available evidence is currently insufficient to determine the role of this variant in disease. Therefore, it has been classified as a Variant of Uncertain Significance.

NM_002979.5(SCP2):c.1075G>A (p.Ala359Thr)

Gene: SCP2 (sterol carrier protein 2; plus strand). Cytogenetic location: 1p32.3.
Variant type: single nucleotide variant.
Coding change: c.1075G>A on transcript NM_002979.5 (MANE Select); coding-DNA position 1075, G replaced by A.
Protein change: p.Ala359Thr; replaces alanine 359 with threonine.
Molecular consequence: missense variant.
Genome position (GRCh38, 1-based): chr1:52,988,130, G>A. VCF-style: chr1-52988130-G-A. GRCh37 (hg19) VCF-style: chr1-53453802-G-A.
Other names: c.1075G>A, p.Ala359Thr (NM_001330587.2); c.943G>A, p.Ala315Thr (NM_001007098.3, NM_001193600.2); c.1003G>A, p.Ala335Thr (NM_001193599.2); c.832G>A, p.Ala278Thr (NM_001193617.2); short protein forms A315T, A335T, A359T, A278T.
Identifiers: ClinVar variation 1347438 (VCV001347438.6), dbSNP rs777327087, ClinGen allele CA857285.